The following is an entry in ClinVar:

NM_000152.5(GAA):c.1880C>G (p.Ser627Cys)

Gene: GAA (alpha glucosidase; plus strand). Cytogenetic location: 17q25.3.
Variant type: single nucleotide variant.
Coding change: c.1880C>G on transcript NM_000152.5 (MANE Select); coding-DNA position 1880, C replaced by G.
Protein change: p.Ser627Cys; replaces serine 627 with cysteine.
Molecular consequence: missense variant.
Genome position (GRCh38, 1-based): chr17:80,112,703, C>G. VCF-style: chr17-80112703-C-G. GRCh37 (hg19) VCF-style: chr17-78086502-C-G.
Other names: c.1880C>G, p.Ser627Cys (NM_001079803.3, NM_001079804.3, NM_001406741.1 and 1 more transcripts); short protein forms S627C.
Identifiers: ClinVar variation 2169372 (VCV002169372.5), dbSNP rs1024137874, ClinGen allele CA401369762.

ClinVar aggregate classification (germline): Uncertain significance. Review status: criteria provided, multiple submitters, no conflicts (2 of 4 stars). 2 submissions from 2 submitters: Uncertain significance (2). Last evaluated 2024-05-17.

Conditions:
Glycogen storage disease, type II (IOPD). Also called: ACID ALPHA-GLUCOSIDASE DEFICIENCY, INFANTILE-ONSET; GAA DEFICIENCY, INFANTILE-ONSET; ACID MALTASE DEFICIENCY, INFANTILE-ONSET; POMPE DISEASE, INFANTILE-ONSET; GLYCOGEN STORAGE DISEASE II, INFANTILE-ONSET; CARDIOMEGALIA GLYCOGENICA DIFFUSA. Identifiers: Orphanet 365, MedGen C0017921, MONDO:0009290, OMIM 232300.

Submissions (2):

Women's Health and Genetics/Laboratory Corporation of America, LabCorp
Classification: Uncertain significance. Last evaluated: 2024-05-17. Review status: criteria provided, single submitter. Criteria: LabCorp Variant Classification Summary - May 2015. Collection method: clinical testing. Allele origin: germline.

Labcorp Genetics (formerly Invitae), Labcorp
Classification: Uncertain significance for Glycogen storage disease, type II. Last evaluated: 2022-06-23. Review status: criteria provided, single submitter. Criteria: Invitae Variant Classification Sherloc (09022015). Collection method: clinical testing. Allele origin: germline.
Comment: This sequence change replaces serine, which is neutral and polar, with cysteine, which is neutral and slightly polar, at codon 627 of the GAA protein (p.Ser627Cys). This variant is not present in population databases (gnomAD no frequency). This variant has not been reported in the literature in individuals affected with GAA-related conditions. Advanced modeling of protein sequence and biophysical properties (such as structural, functional, and spatial information, amino acid conservation, physicochemical variation, residue mobility, and thermodynamic stability) performed at Invitae indicates that this missense variant is expected to disrupt GAA protein function. In summary, the available evidence is currently insufficient to determine the role of this variant in disease. Therefore, it has been classified as a Variant of Uncertain Significance.